The following is an entry in ClinVar:

NM_001080467.3(MYO5B):c.3152T>C (p.Val1051Ala)

Gene: MYO5B (myosin VB; minus strand). Cytogenetic location: 18q21.1.
Variant type: single nucleotide variant.
Coding change: c.3152T>C on transcript NM_001080467.3 (MANE Select); coding-DNA position 3152, T replaced by C.
Protein change: p.Val1051Ala; replaces valine 1051 with alanine.
Molecular consequence: missense variant.
Genome position (GRCh38, 1-based): chr18:49,879,069, A>G on the plus strand (T>C on the coding strand, the complement: MYO5B is on the minus strand). VCF-style: chr18-49879069-A-G. GRCh37 (hg19) VCF-style: chr18-47405439-A-G.
Other names: c.3152T>C (NM_001080467.2); short protein forms V1051A.
Identifiers: ClinVar variation 1951508 (VCV001951508.5), dbSNP rs375397981, ClinGen allele CA8960818.

ClinVar aggregate classification (germline): Uncertain significance. Review status: criteria provided, multiple submitters, no conflicts (2 of 4 stars). 2 submissions from 2 submitters: Uncertain significance (2). Last evaluated 2025-05-20.

Conditions:
Inborn genetic diseases. Identifiers: MedGen C0950123, MeSH D030342.

Allele frequency attached by ClinVar (database versions not stated): gnomAD 0.00001; gnomAD exomes 0.00001; TOPMed 0.00003; ESP Exome Variant Server 0.00008; ExAC 0.00001.
gnomAD v4.1: 13 of 1,613,842 alleles (0.00081%); highest among the groups gnomAD compares: African/African-American, 0.004%; no homozygotes.

Submissions (2):

Ambry Genetics
Classification: Uncertain significance for Inborn genetic diseases. Last evaluated: 2025-05-20. Review status: criteria provided, single submitter. Criteria: Ambry Variant Classification Scheme 2023. Collection method: clinical testing. Allele origin: germline.

Labcorp Genetics (formerly Invitae), Labcorp
Classification: Uncertain significance. Last evaluated: 2022-07-24. Review status: criteria provided, single submitter. Criteria: Invitae Variant Classification Sherloc (09022015). Collection method: clinical testing. Allele origin: germline.
Comment: This sequence change replaces valine, which is neutral and non-polar, with alanine, which is neutral and non-polar, at codon 1051 of the MYO5B protein (p.Val1051Ala). This variant is present in population databases (rs375397981, gnomAD 0.007%). In summary, the available evidence is currently insufficient to determine the role of this variant in disease. Therefore, it has been classified as a Variant of Uncertain Significance. Algorithms developed to predict the effect of missense changes on protein structure and function output the following: SIFT: "Tolerated"; PolyPhen-2: "Benign"; Align-GVGD: "Class C0". The alanine amino acid residue is found in multiple mammalian species, which suggests that this missense change does not adversely affect protein function. This variant has not been reported in the literature in individuals affected with MYO5B-related conditions.